The following is an entry in ClinVar:

NM_000593.6(TAP1):c.89T>C (p.Leu30Pro)

Gene: TAP1 (transporter 1, ATP binding cassette subfamily B member; minus strand). Cytogenetic location: 6p21.32.
Variant type: single nucleotide variant.
Coding change: c.89T>C on transcript NM_000593.6 (MANE Select); coding-DNA position 89, T replaced by C.
Protein change: p.Leu30Pro; replaces leucine 30 with proline.
Molecular consequence: missense variant.
Genome position (GRCh38, 1-based): chr6:32,853,548, A>G on the plus strand (T>C on the coding strand, the complement: TAP1 is on the minus strand). VCF-style: chr6-32853548-A-G. GRCh37 (hg19) VCF-style: chr6-32821325-A-G.
Other names: c.269T>C (NM_000593.5); short protein forms L30P.
Identifiers: ClinVar variation 2004261 (VCV002004261.5), dbSNP rs934921076, ClinGen allele CA136998343.
Genomic context (GRCh38, chr6:32,853,548, plus strand): 5'-GTGGGCACCAGCAGGGAGAATATGCGGGGCAGCGCGGTCCGGAGCAGCACCCAGTCGGCG[A>G]GAAGTAGCAGTACTGTCCCCAGCCATGCGAGAGAAGCTCCGGGGAGGCAGCGGCACCCGC-3'
Protein context (NP_000584.3, residues 20-40): LAWLGTVLLL[Leu30Pro]ADWVLLRTAL

ClinVar aggregate classification (germline): Uncertain significance. Review status: criteria provided, multiple submitters, no conflicts (2 of 4 stars). 2 submissions from 2 submitters: Uncertain significance (2). Last evaluated 2024-12-11.

Conditions:
Inborn genetic diseases. Identifiers: MedGen C0950123, MeSH D030342.
MHC class I deficiency. Identifiers: Orphanet 34592, MedGen C6024714, MONDO:0011476.

gnomAD v4.1: 2 of 1,610,576 alleles (0.00012%); highest among the groups gnomAD compares: Non-Finnish European, 0.00017%; no homozygotes.

Submissions (2):

Ambry Genetics
Classification: Uncertain significance for Inborn genetic diseases. Last evaluated: 2024-12-11. Review status: criteria provided, single submitter. Criteria: Ambry Variant Classification Scheme 2023. Collection method: clinical testing. Allele origin: germline.

Labcorp Genetics (formerly Invitae), Labcorp
Classification: Uncertain significance for MHC class I deficiency 1. Last evaluated: 2022-05-04. Review status: criteria provided, single submitter. Criteria: Invitae Variant Classification Sherloc (09022015). Collection method: clinical testing. Allele origin: germline.
Comment: In summary, the available evidence is currently insufficient to determine the role of this variant in disease. Therefore, it has been classified as a Variant of Uncertain Significance. Algorithms developed to predict the effect of missense changes on protein structure and function are either unavailable or do not agree on the potential impact of this missense change (SIFT: "Deleterious"; PolyPhen-2: "Possibly Damaging"; Align-GVGD: "Class C0"). This variant has not been reported in the literature in individuals affected with TAP1-related conditions. This variant is present in population databases (no rsID available, gnomAD 0.002%). This sequence change replaces leucine, which is neutral and non-polar, with proline, which is neutral and non-polar, at codon 90 of the TAP1 protein (p.Leu90Pro).